The following is an entry in ClinVar:

ClinVar aggregate classification (germline): no classifications from unflagged records (0 of 4 stars; one submission).

Submission:

ISCA site 1
Classification: Likely benign. Last evaluated: 2018-02-09. Review status: flagged submission. Collection method: clinical testing. Allele origin: unknown. Affected: yes. Observed: 1 variant allele.
Comment: Copy number variation identified through the course of routine clinical cytogenomic testing in postnatal populations, with clinical assertions as classified by the original submitter. For data from the original published study, Kaminsky, et al. 2011 (PubMed 21844811), please see nstd101.
ClinVar note: Notes: This submission was flagged because its interpretation of this variant conflicts with the ClinGen Gene Dosage Map curation for the gene STS.
ClinVar note: Reason: Conflict with ClinGen Gene Dosage Map

GRCh38/hg38 Xp22.31(chrX:6652896-8110114)x1

Genes: MIR4767 (microRNA 4767; plus strand), PNPLA4 (patatin like domain 4, phospholipase and triacylglycerol lipase; minus strand), PUDP (pseudouridine 5'-phosphatase; minus strand), STS (steroid sulfatase; plus strand), VCX (variable charge X-linked; plus strand) and 20 more. Cytogenetic location: Xp22.31.
Variant type: copy number loss.
Change: copy number 1 of chrX:6,652,896-8,110,114 (1.46 Mb, GRCh38 coordinates, 1-based), cytogenetic band Xp22.31.
Identifiers: ClinVar variation 149034 (VCV000149034.3).